The following is an entry in ClinVar:

NM_001197104.2(KMT2A):c.10881_10884del (p.Glu3629fs)

Gene: KMT2A (lysine methyltransferase 2A; plus strand). Cytogenetic location: 11q23.3.
Variant type: Deletion.
Coding change: c.10881_10884del on transcript NM_001197104.2 (MANE Select); coding-DNA positions 10881 to 10884, 4 bases deleted (AAAT; older notation c.10881_10884delAAAT).
Protein change: p.Glu3629fs; shifts the reading frame from glutamic acid 3629.
Molecular consequence: frameshift variant.
Genome position (GRCh38, 1-based): chr11:118,509,181-118,509,184, AAAT deleted. VCF-style (leftmost placement, unchanged base first): chr11-118509180-CAAAT-C. GRCh37 (hg19) VCF-style: chr11-118379895-CAAAT-C.
Other names: c.10971_10974del, p.Glu3659fs (NM_001412597.1); c.10872_10875del, p.Glu3626fs (NM_005933.4); c.10881_10884delAAAT, p.Glu3629Lysfs (NM_001197104.1); short protein forms E3626fs, E3629fs, E3659fs.
Identifiers: ClinVar variation 3384135 (VCV003384135.1).

ClinVar aggregate classification (germline): Likely pathogenic (1 of 4 stars; one submission).

Conditions:
Wiedemann-Steiner syndrome (WDSTS). Also called: Growth deficiency and mental retardation with facial dysmorphism. Identifiers: Orphanet 319182, MedGen C1854630, MONDO:0011518, OMIM 605130.

Submission:

Dubai Health Genomic Medicine Center, Dubai Health
Classification: Likely pathogenic for Wiedemann-Steiner syndrome. Last evaluated: 2024-10-04. Review status: criteria provided, single submitter. Criteria: ACMG Guidelines, 2015. Collection method: research. Allele origin: germline. Affected: yes.
Comment: PVS1,PM2